The following is an entry in ClinVar:

NM_024537.4(CARS2):c.786-64C>T

Gene: CARS2 (cysteinyl-tRNA synthetase 2, mitochondrial; minus strand). Cytogenetic location: 13q34.
Variant type: single nucleotide variant.
Coding change: c.786-64C>T on transcript NM_024537.4 (MANE Select); 64 bases into the intron before coding-DNA position 786, C replaced by T.
Molecular consequence: intron variant.
Genome position (GRCh38, 1-based): chr13:110,667,537, G>A on the plus strand (C>T on the coding strand, the complement: CARS2 is on the minus strand). VCF-style: chr13-110667537-G-A. GRCh37 (hg19) VCF-style: chr13-111319884-G-A.
Other names: c.-1-64C>T (NM_001352252.2); c.786-64C>T (NM_001352253.3).
Identifiers: ClinVar variation 1228543 (VCV001228543.6), dbSNP rs9521884, ClinGen allele CA15786440.
Genomic context (GRCh38, chr13:110,667,537, plus strand): 5'-CAAGACACAGTGCAAAGTAGTGAATTCATTCAATCAAGCAACATATTTTCTTCTAACCTC[G>A]TCTATTTATTCCTTCCAGCCTTTTTAATTCAATGAATAAATGGATCTCAGTTTTGCATCA-3'

ClinVar aggregate classification (germline): Benign. Review status: criteria provided, multiple submitters, no conflicts (2 of 4 stars). 3 submissions from 3 submitters: Benign (3). Last evaluated 2024-07-31.

Allele frequency attached by ClinVar (database versions not stated): 1000 Genomes Project 30x 0.50796; 1000 Genomes Project 0.51378; TOPMed 0.52786; gnomAD 0.54639 and 0.54717.
gnomAD v4.1: 901,320 of 1,471,066 alleles (61%); highest among the groups gnomAD compares: Non-Finnish European, 65%; 280,975 homozygotes.

Submissions (3):

Unidad de Genómica Garrahan, Hospital de Pediatría Garrahan
Classification: Benign. Last evaluated: 2024-07-31. Review status: criteria provided, single submitter. Criteria: ACMG Guidelines, 2015. Collection method: clinical testing. Allele origin: germline. Affected: no. Observed: 63 variant alleles.
Comment: This variant is classified as Benign based on local population frequency. This variant was detected in 68% of patients studied in a panel designed for Epileptic and Developmental Encephalopathy, Progressive Myoclonus Epilepsy and Abnormal Movements and Neurodegeneration with brain iron accumulation. Number of patients: 63. Only high quality variants are reported.

GeneDx
Classification: Benign. Last evaluated: 2018-06-23. Review status: criteria provided, single submitter. Criteria: GeneDx Variant Classification Process June 2021. Collection method: clinical testing. Allele origin: germline. Affected: yes.

Breakthrough Genomics
Classification: Benign. Review status: criteria provided, single submitter. Criteria: ACMG Guidelines, 2015. Collection method: not provided. Allele origin: germline. Inheritance: Autosomal recessive inheritance. Affected: yes.